The following is an entry in ClinVar:

NM_005559.4(LAMA1):c.4877C>T (p.Thr1626Met)

Gene: LAMA1 (laminin subunit alpha 1; minus strand). Cytogenetic location: 18p11.31.
Variant type: single nucleotide variant.
Coding change: c.4877C>T on transcript NM_005559.4 (MANE Select); coding-DNA position 4877, C replaced by T.
Protein change: p.Thr1626Met; replaces threonine 1626 with methionine.
Molecular consequence: missense variant.
Genome position (GRCh38, 1-based): chr18:6,995,376, G>A on the plus strand (C>T on the coding strand, the complement: LAMA1 is on the minus strand). VCF-style: chr18-6995376-G-A. GRCh37 (hg19) VCF-style: chr18-6995375-G-A.
Other names: c.4877C>T (NM_005559.3); short protein forms T1626M.
Identifiers: ClinVar variation 1441577 (VCV001441577.7), dbSNP rs201454996, ClinGen allele CA8881774.

ClinVar aggregate classification (germline): Conflicting classifications of pathogenicity. Review status: criteria provided, conflicting classifications (1 of 4 stars). 3 submissions from 3 submitters: Uncertain significance (2); Likely benign (1). Last evaluated 2025-08-09.

Conditions:
Inborn genetic diseases. Identifiers: MedGen C0950123, MeSH D030342.

Allele frequency attached by ClinVar (database versions not stated): TOPMed 0.00010; gnomAD exomes 0.00012 and 0.00014; gnomAD 0.00013 and 0.00014; ESP Exome Variant Server 0.00015; 1000 Genomes Project 30x 0.00016; ExAC 0.00018; 1000 Genomes Project 0.00020.
gnomAD v4.1: 187 of 1,613,102 alleles (0.012%); highest among the groups gnomAD compares: East Asian, 0.04%; 1 homozygote.

Submissions (3):

Ambry Genetics
Classification: Uncertain significance for Inborn genetic diseases. Last evaluated: 2025-08-09. Review status: criteria provided, single submitter. Criteria: Ambry Variant Classification Scheme 2023. Collection method: clinical testing. Allele origin: germline.

Blueprint Genetics
Classification: Likely benign. Last evaluated: 2024-02-16. Review status: criteria provided, single submitter. Criteria: ACMG Guidelines, 2015. Collection method: clinical testing. Allele origin: germline.

Labcorp Genetics (formerly Invitae), Labcorp
Classification: Uncertain significance. Last evaluated: 2022-08-22. Review status: criteria provided, single submitter. Criteria: Invitae Variant Classification Sherloc (09022015). Collection method: clinical testing. Allele origin: germline.
Comment: In summary, the available evidence is currently insufficient to determine the role of this variant in disease. Therefore, it has been classified as a Variant of Uncertain Significance. Algorithms developed to predict the effect of missense changes on protein structure and function output the following: SIFT: "Tolerated"; PolyPhen-2: "Benign"; Align-GVGD: "Class C0". The methionine amino acid residue is found in multiple mammalian species, which suggests that this missense change does not adversely affect protein function. ClinVar contains an entry for this variant (Variation ID: 1441577). This variant has not been reported in the literature in individuals affected with LAMA1-related conditions. This variant is present in population databases (rs201454996, gnomAD 0.1%). This sequence change replaces threonine, which is neutral and polar, with methionine, which is neutral and non-polar, at codon 1626 of the LAMA1 protein (p.Thr1626Met).